The following is an entry in ClinVar:

NM_022454.4(SOX17):c.464T>G (p.Phe155Cys)

Gene: SOX17 (SRY-box transcription factor 17; plus strand). Cytogenetic location: 8q11.23.
Variant type: single nucleotide variant.
Coding change: c.464T>G on transcript NM_022454.4 (MANE Select); coding-DNA position 464, T replaced by G.
Protein change: p.Phe155Cys; replaces phenylalanine 155 with cysteine.
Molecular consequence: missense variant.
Genome position (GRCh38, 1-based): chr8:54,459,214, T>G. VCF-style: chr8-54459214-T-G. GRCh37 (hg19) VCF-style: chr8-55371774-T-G.
Other names: short protein forms F155C.
Identifiers: ClinVar variation 1318893 (VCV001318893.2), dbSNP rs761510423, ClinGen allele CA371024500.

ClinVar aggregate classification (germline): Uncertain significance (1 of 4 stars; one submission).

Submission:

GeneDx
Classification: Uncertain significance. Last evaluated: 2018-09-05. Review status: criteria provided, single submitter. Criteria: GeneDx Variant Classification Process June 2021. Collection method: clinical testing. Allele origin: germline. Affected: yes.
Comment: Not observed in large population cohorts (Lek et al., 2016); In silico analysis, which includes protein predictors and evolutionary conservation, supports a deleterious effect; Has not been previously published as pathogenic or benign to our knowledge